The following is an entry in ClinVar:

ClinVar aggregate classification (germline): Uncertain significance (1 of 4 stars; one submission).

Submission:

Women's Health and Genetics/Laboratory Corporation of America, LabCorp
Classification: Uncertain significance. Last evaluated: 2024-09-13. Review status: criteria provided, single submitter. Criteria: LabCorp Variant Classification Summary - May 2015. Collection method: clinical testing. Allele origin: germline.
Comment: Variant summary: ETFDH c.853A>G (p.Asn285Asp) results in a conservative amino acid change located in the ETF-QO/FixC, ubiquinone-binding (IPR049398) of the encoded protein sequence. Three of five in-silico tools predict a benign effect of the variant on protein function. The variant was absent in 251002 control chromosomes. The available data on variant occurrences in the general population are insufficient to allow any conclusion about variant significance. c.853A>G has been reported in the literature in individuals affected with Lipid Storage Myopathy (Vengalil_2022). These data do not allow any conclusion about variant significance. To our knowledge, no experimental evidence demonstrating an impact on protein function has been reported. The following publication have been ascertained in the context of this evaluation (PMID: 35342266). No submitters have cited clinical-significance assessments for this variant to ClinVar. Based on the evidence outlined above, the variant was classified as uncertain significance.

Literature cited by the submitters: PubMed 35342266.

NM_004453.4(ETFDH):c.853A>G (p.Asn285Asp)

Gene: ETFDH (electron transfer flavoprotein dehydrogenase; plus strand). Cytogenetic location: 4q32.1.
Variant type: single nucleotide variant.
Coding change: c.853A>G on transcript NM_004453.4 (MANE Select); coding-DNA position 853, A replaced by G.
Protein change: p.Asn285Asp; replaces asparagine 285 with aspartic acid.
Molecular consequence: missense variant.
Genome position (GRCh38, 1-based): chr4:158,697,580, A>G. VCF-style: chr4-158697580-A-G. GRCh37 (hg19) VCF-style: chr4-159618732-A-G.
Other names: c.712A>G, p.Asn238Asp (NM_001281737.2); c.670A>G, p.Asn224Asp (NM_001281738.1); short protein forms N224D, N238D, N285D.
Identifiers: ClinVar variation 3374816 (VCV003374816.1).
Genomic context (GRCh38, chr4:158,697,580, plus strand): 5'-ATACTGCAGGACTTTTTTGTTTGCTTTTTTTTTTTTTAGTTATGGGTTATTGATGAAAAG[A>G]ACTGGAAACCTGGGAGAGTAGATCACACTGTTGGTTGGCCCTTGGACAGACATACCTATG-3'
Protein context (NP_004444.2, residues 275-295): LKELWVIDEK[Asn285Asp]WKPGRVDHTV